The following is an entry in ClinVar:

NM_001254.4(CDC6):c.1020G>A (p.Leu340=)

Gene: CDC6 (cell division cycle 6; plus strand). Cytogenetic location: 17q21.2.
Variant type: single nucleotide variant.
Coding change: c.1020G>A on transcript NM_001254.4 (MANE Select); coding-DNA position 1020, G replaced by A.
Protein change: p.Leu340=; no amino-acid change (leucine 340 retained).
Molecular consequence: synonymous variant.
Genome position (GRCh38, 1-based): chr17:40,294,440, G>A. VCF-style: chr17-40294440-G-A. GRCh37 (hg19) VCF-style: chr17-38450692-G-A.
Identifiers: ClinVar variation 323058 (VCV000323058.16), dbSNP rs181925915, ClinGen allele CA8542036.

ClinVar aggregate classification (germline): Conflicting classifications of pathogenicity. Review status: criteria provided, conflicting classifications (1 of 4 stars). 4 submissions from 4 submitters: Uncertain significance (1); Likely benign (2). 1 of the submissions does not count toward it. Last evaluated 2025-09-02.

Conditions:
CDC6-related disorder. Also called: CDC6-related condition.
Meier-Gorlin syndrome 5 (MGORS5). Identifiers: Orphanet 2554, MedGen C3151126, MONDO:0013432, OMIM 613805.

Allele frequency attached by ClinVar (database versions not stated): ESP Exome Variant Server 0.00008; TOPMed 0.00010; 1000 Genomes Project 0.00060; 1000 Genomes Project 30x 0.00078.
gnomAD v4.1: 146 of 1,613,554 alleles (0.009%); highest among the groups gnomAD compares: Middle Eastern, 0.066%; no homozygotes.

Submissions (4):

Labcorp Genetics (formerly Invitae), Labcorp
Classification: Likely benign. Last evaluated: 2025-09-02. Review status: criteria provided, single submitter. Criteria: Invitae Variant Classification Sherloc (09022015). Collection method: clinical testing. Allele origin: germline.

Blueprint Genetics
Classification: Likely benign. Last evaluated: 2023-12-29. Review status: criteria provided, single submitter. Criteria: ACMG Guidelines, 2015. Collection method: clinical testing. Allele origin: germline.

Illumina Laboratory Services, Illumina
Classification: Uncertain significance for Meier-Gorlin syndrome 5. Last evaluated: 2018-01-13. Review status: criteria provided, single submitter. Criteria: ICSL Variant Classification Criteria 13 December 2019. Collection method: clinical testing. Allele origin: germline.

PreventionGenetics, part of Exact Sciences
Classification: Likely benign for CDC6-related condition. Last evaluated: 2019-11-06. Review status: no assertion criteria provided. Collection method: clinical testing. Allele origin: germline. Not counted in ClinVar's aggregate classification.
Comment: This variant is classified as likely benign based on ACMG/AMP sequence variant interpretation guidelines (Richards et al. 2015 PMID: 25741868, with internal and published modifications).